The following is an entry in ClinVar:

NM_000238.4(KCNH2):c.77-13C>T

Gene: KCNH2 (potassium voltage-gated channel subfamily H member 2; minus strand). Cytogenetic location: 7q36.1.
Variant type: single nucleotide variant.
Coding change: c.77-13C>T on transcript NM_000238.4 (MANE Select); 13 bases into the intron before coding-DNA position 77, C replaced by T.
Molecular consequence: intron variant.
Genome position (GRCh38, 1-based): chr7:150,974,954, G>A on the plus strand (C>T on the coding strand, the complement: KCNH2 is on the minus strand). VCF-style: chr7-150974954-G-A. GRCh37 (hg19) VCF-style: chr7-150672042-G-A.
Other names: c.77-13C>T (NM_172056.3); c.-101-13C>T (NM_001406755.1).
Identifiers: ClinVar variation 1212686 (VCV001212686.12), dbSNP rs771793839, ClinGen allele CA040482.

ClinVar aggregate classification (germline): Likely benign. Review status: criteria provided, multiple submitters, no conflicts (2 of 4 stars). 4 submissions from 4 submitters: Likely benign (4). Last evaluated 2026-01-12.

Conditions:
Long QT syndrome (LQTS). Identifiers: MedGen C0023976, MeSH D008133, MONDO:0002442. Disease mechanism: loss of function. Inheritance: Various modes of inheritance.
Cardiac arrhythmia. Also called: Cardiac rhythm disease; Arrhythmia. Identifiers: MedGen C0003811, MONDO:0007263, HP:0011675.

Allele frequency attached by ClinVar (database versions not stated): gnomAD exomes 0.00001; ExAC 0.00002.
gnomAD v4.1: 14 of 1,576,968 alleles (0.00089%); highest among the groups gnomAD compares: East Asian, 0.014%; no homozygotes.

Submissions (4):

Labcorp Genetics (formerly Invitae), Labcorp
Classification: Likely benign for Long QT syndrome. Last evaluated: 2026-01-12. Review status: criteria provided, single submitter. Criteria: Invitae Variant Classification Sherloc (09022015). Collection method: clinical testing. Allele origin: germline.

All of Us Research Program, National Institutes of Health
Classification: Likely benign for Long QT syndrome. Last evaluated: 2023-09-17. Review status: criteria provided, single submitter. Criteria: ACMG Guidelines, 2015. Collection method: clinical testing. Allele origin: germline. Inheritance: Autosomal dominant inheritance. Observed: 1 variant allele, 1 heterozygote.
Comment: This study involves interpretation of variants in research participants for the purpose of population health screening. Participant phenotype was not available at the time of variant classification. Additional details can be found in publication PMID: 35346344, PMCID: PMC8962531

Color Diagnostics, LLC DBA Color Health
Classification: Likely benign for Cardiac arrhythmia. Last evaluated: 2023-09-14. Review status: criteria provided, single submitter. Criteria: ACMG Guidelines, 2015. Collection method: clinical testing. Allele origin: germline.

GeneDx
Classification: Likely benign. Last evaluated: 2020-02-17. Review status: criteria provided, single submitter. Criteria: GeneDx Variant Classification Process June 2021. Collection method: clinical testing. Allele origin: germline. Affected: yes.